The following is an entry in ClinVar:

ClinVar aggregate classification (germline): Uncertain significance (1 of 4 stars; one submission).

Conditions:
Lethal osteosclerotic bone dysplasia (RNS). Also called: Osteomalacia, sclerosing, with cerebral calcification. Identifiers: Orphanet 1832, MedGen C1850106, MONDO:0009821, OMIM 259775.

Submission:

Laboratorio de Genetica e Diagnostico Molecular, Hospital Israelita Albert Einstein
Classification: Uncertain significance for Lethal osteosclerotic bone dysplasia. Last evaluated: 2024-11-21. Review status: criteria provided, single submitter. Criteria: ACMG Guidelines, 2015. Collection method: clinical testing. Allele origin: germline. Affected: yes.
Comment: ACMG classification criteria: PVS1 moderate, PM2 supporting

NM_020223.4(FAM20C):c.1505+1G>T

Gene: FAM20C (FAM20C golgi associated secretory pathway kinase; plus strand). Cytogenetic location: 7p22.3.
Variant type: single nucleotide variant.
Coding change: c.1505+1G>T on transcript NM_020223.4 (MANE Select); the canonical splice donor site of the intron after coding-DNA position 1505, G replaced by T.
Molecular consequence: splice donor variant.
Genome position (GRCh38, 1-based): chr7:258,706, G>T. VCF-style: chr7-258706-G-T. GRCh37 (hg19) VCF-style: chr7-298672-G-T.
Identifiers: ClinVar variation 3902004 (VCV003902004.1).